The following is an entry in ClinVar:

NM_001105206.3(LAMA4):c.3245C>T (p.Pro1082Leu)

Gene: LAMA4 (laminin subunit alpha 4; minus strand). Cytogenetic location: 6q21.
Variant type: single nucleotide variant.
Coding change: c.3245C>T on transcript NM_001105206.3 (MANE Select); coding-DNA position 3245, C replaced by T.
Protein change: p.Pro1082Leu; replaces proline 1082 with leucine.
Molecular consequence: missense variant.
Genome position (GRCh38, 1-based): chr6:112,139,157, G>A on the plus strand (C>T on the coding strand, the complement: LAMA4 is on the minus strand). VCF-style: chr6-112139157-G-A. GRCh37 (hg19) VCF-style: chr6-112460359-G-A.
Other names: p.P1075L:CCA>CTA; c.3224C>T, p.Pro1075Leu (NM_001105207.3, NM_002290.5); short protein forms P1075L, P1082L.
Identifiers: ClinVar variation 213594 (VCV000213594.49), dbSNP rs782040284, ClinGen allele CA320578.

ClinVar aggregate classification (germline): Uncertain significance. Review status: criteria provided, multiple submitters, no conflicts (2 of 4 stars). 4 submissions from 4 submitters: Uncertain significance (4). Last evaluated 2025-10-20.

Conditions:
LAMA4-related disorder. Also called: LAMA4-related condition.
Cardiovascular phenotype. Identifiers: MedGen CN230736.
Dilated cardiomyopathy 1JJ (CMD1JJ). Identifiers: Orphanet 154, MedGen C3808935, MONDO:0014095, OMIM 615235.

Allele frequency attached by ClinVar (database versions not stated): gnomAD exomes 0.00001; TOPMed below 0.00001; ExAC 0.00001.

Submissions (4):

PreventionGenetics, part of Exact Sciences
Classification: Uncertain significance for LAMA4-related condition. Last evaluated: 2025-10-20. Review status: criteria provided, single submitter. Criteria: ACMG Guidelines, 2015. Collection method: clinical testing. Allele origin: germline.
Comment: The LAMA4 c.3224C>T variant is predicted to result in the amino acid substitution p.Pro1075Leu. To our knowledge, this variant has not been reported in the literature. This variant is reported in 0.0018% of alleles in individuals of European (Non-Finnish) descent in gnomAD. At this time, the clinical significance of this variant is uncertain due to the absence of conclusive functional and genetic evidence.

Labcorp Genetics (formerly Invitae), Labcorp
Classification: Uncertain significance for Dilated cardiomyopathy 1JJ. Last evaluated: 2025-07-24. Review status: criteria provided, single submitter. Criteria: Invitae Variant Classification Sherloc (09022015). Collection method: clinical testing. Allele origin: germline.
Comment: This sequence change replaces proline, which is neutral and non-polar, with leucine, which is neutral and non-polar, at codon 1075 of the LAMA4 protein (p.Pro1075Leu). This variant is present in population databases (rs782040284, gnomAD 0.002%). This variant has not been reported in the literature in individuals affected with LAMA4-related conditions. ClinVar contains an entry for this variant (Variation ID: 213594). Invitae Evidence Modeling of protein sequence and biophysical properties (such as structural, functional, and spatial information, amino acid conservation, physicochemical variation, residue mobility, and thermodynamic stability) indicates that this missense variant is not expected to disrupt LAMA4 protein function with a negative predictive value of 80%. In summary, the available evidence is currently insufficient to determine the role of this variant in disease. Therefore, it has been classified as a Variant of Uncertain Significance.

Ambry Genetics
Classification: Uncertain significance for Cardiovascular phenotype. Last evaluated: 2022-11-02. Review status: criteria provided, single submitter. Criteria: Ambry Variant Classification Scheme 2023. Collection method: clinical testing. Allele origin: germline.
Comment: The p.P1075L variant (also known as c.3224C>T), located in coding exon 23 of the LAMA4 gene, results from a C to T substitution at nucleotide position 3224. The proline at codon 1075 is replaced by leucine, an amino acid with similar properties. This amino acid position is conserved. In addition, the in silico prediction for this alteration is inconclusive. Since supporting evidence is limited at this time, the clinical significance of this alteration remains unclear.

GeneDx
Classification: Uncertain significance. Last evaluated: 2022-01-24. Review status: criteria provided, single submitter. Criteria: GeneDx Variant Classification Process June 2021. Collection method: clinical testing. Allele origin: germline. Affected: yes.
Comment: Has not been previously published as pathogenic or benign to our knowledge; Not observed at significant frequency in large population cohorts (gnomAD); In silico analysis supports that this missense variant does not alter protein structure/function; Reported in ClinVar but additional evidence is not available (ClinVar Variant ID #213594)